The following is an entry in ClinVar:

NM_004360.5(CDH1):c.291T>C (p.His97=)

Gene: CDH1 (cadherin 1; plus strand). Cytogenetic location: 16q22.1.
Variant type: single nucleotide variant.
Coding change: c.291T>C on transcript NM_004360.5 (MANE Select); coding-DNA position 291, T replaced by C.
Protein change: p.His97=; no amino-acid change (histidine 97 retained).
Molecular consequence: synonymous variant. On other transcripts: 5 prime UTR variant (2).
Genome position (GRCh38, 1-based): chr16:68,801,797, T>C. VCF-style: chr16-68801797-T-C. GRCh37 (hg19) VCF-style: chr16-68835700-T-C.
Other names: c.291T>C, p.His97= (NM_001317184.2); c.-1325T>C (NM_001317185.2); c.-1529T>C (NM_001317186.2).
Identifiers: ClinVar variation 1090585 (VCV001090585.12), dbSNP rs2152126862, ClinGen allele CA496152668.

ClinVar aggregate classification (germline): Benign/Likely benign. Review status: criteria provided, multiple submitters, no conflicts (2 of 4 stars). 3 submissions from 3 submitters: Benign (1); Likely benign (2). Last evaluated 2024-09-12.

Conditions:
Hereditary diffuse gastric adenocarcinoma (HDGC). Also called: DIFFUSE GASTRIC AND LOBULAR BREAST CANCER SYNDROME. Identifiers: Orphanet 26106, MedGen C1708349, MONDO:0007648, OMIM 137215.
Hereditary cancer-predisposing syndrome. Also called: Tumor predisposition; Neoplastic Syndromes, Hereditary; Hereditary Cancer Syndrome; Hereditary neoplastic syndrome. Identifiers: Orphanet 140162, MedGen C0027672, MeSH D009386, MONDO:0015356.

Submissions (3):

Myriad Genetics, Inc.
Classification: Benign for Hereditary diffuse gastric adenocarcinoma. Last evaluated: 2024-09-12. Review status: criteria provided, single submitter. Criteria: Myriad Autosomal Dominant, Autosomal Recessive and X-Linked Classification Criteria (2023). Collection method: clinical testing. Allele origin: unknown.
Comment: This variant is considered benign. This variant is a silent/synonymous amino acid change and it is not expected to impact splicing.

Labcorp Genetics (formerly Invitae), Labcorp
Classification: Likely benign for Hereditary diffuse gastric adenocarcinoma. Last evaluated: 2023-04-07. Review status: criteria provided, single submitter. Criteria: Invitae Variant Classification Sherloc (09022015). Collection method: clinical testing. Allele origin: germline.

Ambry Genetics
Classification: Likely benign for Hereditary cancer-predisposing syndrome. Last evaluated: 2022-04-05. Review status: criteria provided, single submitter. Criteria: Ambry Variant Classification Scheme 2023. Collection method: clinical testing. Allele origin: germline.